The following is an entry in ClinVar:

NM_005045.4(RELN):c.7852A>G (p.Ser2618Gly)

Gene: RELN (reelin; minus strand). Cytogenetic location: 7q22.1.
Variant type: single nucleotide variant.
Coding change: c.7852A>G on transcript NM_005045.4 (MANE Select); coding-DNA position 7852, A replaced by G.
Protein change: p.Ser2618Gly; replaces serine 2618 with glycine.
Molecular consequence: missense variant.
Genome position (GRCh38, 1-based): chr7:103,519,333, T>C on the plus strand (A>G on the coding strand, the complement: RELN is on the minus strand). VCF-style: chr7-103519333-T-C. GRCh37 (hg19) VCF-style: chr7-103159780-T-C.
Other names: c.7852A>G, p.Ser2618Gly (NM_173054.3); short protein forms S2618G.
Identifiers: ClinVar variation 2633814 (VCV002633814.4), dbSNP rs1562867984, ClinGen allele CA368764554.

ClinVar aggregate classification (germline): Uncertain significance. Review status: criteria provided, multiple submitters, no conflicts (2 of 4 stars). 2 submissions from 2 submitters: Uncertain significance (2). Last evaluated 2024-01-18.

Conditions:
Norman-Roberts syndrome (LIS2). Also called: Lissencephaly 2 (Norman-Roberts type). Identifiers: Orphanet 89844, MedGen C0796089, MONDO:0009760, OMIM 257320.
Familial temporal lobe epilepsy 7. Identifiers: Orphanet 101046, MedGen C4225327, MONDO:0014639, OMIM 616436.
RELN-related disorder. Also called: RELN-related condition.

Submissions (2):

Labcorp Genetics (formerly Invitae), Labcorp
Classification: Uncertain significance for Familial temporal lobe epilepsy 7; Norman-Roberts syndrome. Last evaluated: 2024-01-18. Review status: criteria provided, single submitter. Criteria: Invitae Variant Classification Sherloc (09022015). Collection method: clinical testing. Allele origin: germline.
Comment: This sequence change replaces serine, which is neutral and polar, with glycine, which is neutral and non-polar, at codon 2618 of the RELN protein (p.Ser2618Gly). This variant is not present in population databases (gnomAD no frequency). This variant has not been reported in the literature in individuals affected with RELN-related conditions. ClinVar contains an entry for this variant (Variation ID: 2633814). Advanced modeling of protein sequence and biophysical properties (such as structural, functional, and spatial information, amino acid conservation, physicochemical variation, residue mobility, and thermodynamic stability) performed at Invitae indicates that this missense variant is not expected to disrupt RELN protein function with a negative predictive value of 80%. Algorithms developed to predict the effect of sequence changes on RNA splicing suggest that this variant may disrupt the consensus splice site. In summary, the available evidence is currently insufficient to determine the role of this variant in disease. Therefore, it has been classified as a Variant of Uncertain Significance.

PreventionGenetics, part of Exact Sciences
Classification: Uncertain significance for RELN-related condition. Last evaluated: 2023-03-21. Review status: criteria provided, single submitter. Criteria: ACMG Guidelines, 2015. Collection method: clinical testing. Allele origin: germline.
Comment: The RELN c.7852A>G variant is predicted to result in the amino acid substitution p.Ser2618Gly. To our knowledge, this variant has not been reported in the literature or in a large population database, indicating this variant is rare. At this time, the clinical significance of this variant is uncertain due to the absence of conclusive functional and genetic evidence.